The following is an entry in ClinVar:

ClinVar aggregate classification (germline): Likely benign (0 of 4 stars; one submission).

Conditions:
TRRAP-related disorder. Also called: TRRAP-related condition.

Allele frequency attached by ClinVar (database versions not stated): gnomAD exomes 0.00001.
gnomAD v4.1: 14 of 1,610,510 alleles (0.00087%); highest among the groups gnomAD compares: Non-Finnish European, 0.0012%; no homozygotes.

Submission:

PreventionGenetics, part of Exact Sciences
Classification: Likely benign for TRRAP-related condition. Last evaluated: 2019-05-10. Review status: no assertion criteria provided. Collection method: clinical testing. Allele origin: germline.
Comment: This variant is classified as likely benign based on ACMG/AMP sequence variant interpretation guidelines (Richards et al. 2015 PMID: 25741868, with internal and published modifications).

NM_001375524.1(TRRAP):c.49T>C (p.Leu17=)

Gene: TRRAP (transformation/transcription domain associated protein; plus strand). Cytogenetic location: 7q22.1.
Variant type: single nucleotide variant.
Coding change: c.49T>C on transcript NM_001375524.1 (MANE Select); coding-DNA position 49, T replaced by C.
Protein change: p.Leu17=; no amino-acid change (leucine 17 retained).
Molecular consequence: synonymous variant.
Genome position (GRCh38, 1-based): chr7:98,881,199, T>C. VCF-style: chr7-98881199-T-C. GRCh37 (hg19) VCF-style: chr7-98478822-T-C.
Other names: c.49T>C, p.Leu17= (NM_001244580.2, NM_003496.4).
Identifiers: ClinVar variation 3041424 (VCV003041424.2), dbSNP rs1554402993, ClinGen allele CA456657131.
Genomic context (GRCh38, chr7:98,881,199, plus strand): 5'-CCCAAAAGAAAAATGGCGTTTGTTGCAACACAGGGGGCCACGGTGGTTGACCAGACCACT[T>C]TGATGAAAAAGTACCTTCAGTTTGTGGCAGCTCTCACAGATGTGAATACACGTGAGTTGA-3'
Protein context (NP_001362453.1, residues 7-27): QGATVVDQTT[Leu17=]MKKYLQFVAA